The following is an entry in ClinVar:

ClinVar aggregate classification (germline): Uncertain significance (1 of 4 stars; one submission).

Allele frequency attached by ClinVar (database versions not stated): TOPMed 0.00001; ExAC 0.00003; 1000 Genomes Project 0.00020; 1000 Genomes Project 30x 0.00031.
gnomAD v4.1: 15 of 1,613,864 alleles (0.00093%); highest among the groups gnomAD compares: African/African-American, 0.004%; no homozygotes.

Submission:

CeGaT Center for Human Genetics Tuebingen
Classification: Uncertain significance. Last evaluated: 2024-06-01. Review status: criteria provided, single submitter. Criteria: CeGaT Center For Human Genetics Tuebingen Variant Classification Criteria Version 2. Collection method: clinical testing. Allele origin: germline. Affected: yes. Observed: 1 variant allele.
Comment: CACNA1G: PP2

NM_018896.5(CACNA1G):c.4369G>A (p.Glu1457Lys)

Gene: CACNA1G (calcium voltage-gated channel subunit alpha1 G; plus strand). Cytogenetic location: 17q21.33.
Variant type: single nucleotide variant.
Coding change: c.4369G>A on transcript NM_018896.5 (MANE Select); coding-DNA position 4369, G replaced by A.
Protein change: p.Glu1457Lys; replaces glutamic acid 1457 with lysine.
Molecular consequence: missense variant. On other transcripts: non-coding transcript variant (5).
Genome position (GRCh38, 1-based): chr17:50,605,970, G>A. VCF-style: chr17-50605970-G-A. GRCh37 (hg19) VCF-style: chr17-48683331-G-A.
Other names: c.4369G>A, p.Glu1457Lys (NM_001256324.2, NM_001256325.2, NM_001256326.2 and 16 more transcripts); c.4300G>A, p.Glu1434Lys (NM_001256332.2, NM_198376.3, NM_198379.3 and 5 more transcripts); short protein forms E1434K, E1457K.
Identifiers: ClinVar variation 3251178 (VCV003251178.18), dbSNP rs561339997.